The following is an entry in ClinVar:

ClinVar aggregate classification (germline): Uncertain significance. Review status: criteria provided, multiple submitters, no conflicts (2 of 4 stars). 3 submissions from 3 submitters: Uncertain significance (3). Last evaluated 2022-08-23.

Conditions:
Microcephaly 9, primary, autosomal recessive. Identifiers: Orphanet 2512, MedGen C3553886, MONDO:0013923, OMIM 614852.
Inborn genetic diseases. Identifiers: MedGen C0950123, MeSH D030342.

Allele frequency attached by ClinVar (database versions not stated): TOPMed 0.00014.
gnomAD v4.1: 143 of 1,613,924 alleles (0.0089%); highest among the groups gnomAD compares: Admixed American, 0.12%; no homozygotes.

Submissions (3):

Labcorp Genetics (formerly Invitae), Labcorp
Classification: Uncertain significance. Last evaluated: 2022-08-23. Review status: criteria provided, single submitter. Criteria: Invitae Variant Classification Sherloc (09022015). Collection method: clinical testing. Allele origin: germline.
Comment: This sequence change replaces arginine, which is basic and polar, with histidine, which is basic and polar, at codon 1024 of the CEP152 protein (p.Arg1024His). This variant is present in population databases (rs199914670, gnomAD 0.2%). This variant has not been reported in the literature in individuals affected with CEP152-related conditions. ClinVar contains an entry for this variant (Variation ID: 521385). Algorithms developed to predict the effect of missense changes on protein structure and function output the following: SIFT: "Tolerated"; PolyPhen-2: "Benign"; Align-GVGD: "Class C0". The histidine amino acid residue is found in multiple mammalian species, which suggests that this missense change does not adversely affect protein function. In summary, the available evidence is currently insufficient to determine the role of this variant in disease. Therefore, it has been classified as a Variant of Uncertain Significance.

Baylor Genetics
Classification: Uncertain significance for Microcephaly 9, primary, autosomal recessive. Last evaluated: 2018-01-29. Review status: criteria provided, single submitter. Criteria: ACMG Guidelines, 2015. Collection method: clinical testing. Allele origin: unknown. Affected: yes.
Comment: This variant was determined to be of uncertain significance according to ACMG Guidelines, 2015 [PMID:25741868].

Ambry Genetics
Classification: Uncertain significance for Inborn genetic diseases. Last evaluated: 2017-06-13. Review status: criteria provided, single submitter. Criteria: Ambry exome assertion method (8-5-2015). Collection method: clinical testing. Allele origin: germline. Affected: yes. Observed: 1 variant allele.

NM_001194998.2(CEP152):c.3071G>A (p.Arg1024His)

Gene: CEP152 (centrosomal protein 152; minus strand). Cytogenetic location: 15q21.1.
Variant type: single nucleotide variant.
Coding change: c.3071G>A on transcript NM_001194998.2 (MANE Select); coding-DNA position 3071, G replaced by A.
Protein change: p.Arg1024His; replaces arginine 1024 with histidine.
Molecular consequence: missense variant.
Genome position (GRCh38, 1-based): chr15:48,756,177, C>T on the plus strand (G>A on the coding strand, the complement: CEP152 is on the minus strand). VCF-style: chr15-48756177-C-T. GRCh37 (hg19) VCF-style: chr15-49048374-C-T.
Other names: c.3071G>A, p.Arg1024His (NM_014985.4); short protein forms R1024H.
Identifiers: ClinVar variation 521385 (VCV000521385.10), dbSNP rs199914670, ClinGen allele CA7548420.
Genomic context (GRCh38, chr15:48,756,177, plus strand): 5'-TCCTCATACTGATAGATTTCCAGTTGGATCCGCTTGGCTTCCTGCATAGTCCATTCTCTA[C>T]GACTCTGGTCTAGACAAGTTTGTAATTCTGTCTCCTTCTGAAGAAGTAGTTCAGTTTTTT-3'
Protein context (NP_001181927.1, residues 1014-1034): TELQTCLDQS[Arg1024His]REWTMQEAKR